The following is an entry in ClinVar:

NM_015158.5(KANK1):c.3202C>T (p.Gln1068Ter)

Gene: KANK1 (KN motif and ankyrin repeat domains 1; plus strand). Cytogenetic location: 9p24.3.
Variant type: single nucleotide variant.
Coding change: c.3202C>T on transcript NM_015158.5 (MANE Select); coding-DNA position 3202, C replaced by T.
Protein change: p.Gln1068Ter; replaces glutamine 1068 with a stop codon.
Molecular consequence: nonsense. On other transcripts: intron variant (5).
Genome position (GRCh38, 1-based): chr9:732,574, C>T. VCF-style: chr9-732574-C-T. GRCh37 (hg19) VCF-style: chr9-732574-C-T.
Other names: c.3202C>T, p.Gln1068Ter (NM_001256876.3, NM_001256877.3, NM_001354334.2); c.3148C>T, p.Gln1050Ter (NM_001354332.2); c.2728C>T, p.Gln910Ter (NM_001354333.2, NM_001354335.2, NM_001354337.2 and 2 more transcripts); c.2674C>T, p.Gln892Ter (NM_001354338.2, NM_001354340.2, NM_001354344.2); c.3005+1308C>T (NM_001354331.2); c.2477+1308C>T (NM_001354336.2); c.2531+1308C>T (NM_001354339.2, NM_001354343.2, NM_001354342.2); short protein forms Q1068*, Q910*, Q1050*, Q892*.
Identifiers: ClinVar variation 488865 (VCV000488865.2), dbSNP rs1554716014, ClinGen allele CA372757544.

ClinVar aggregate classification (germline): Uncertain significance (1 of 4 stars; one submission).

Submission:

GeneDx
Classification: Uncertain significance. Last evaluated: 2016-10-04. Review status: criteria provided, single submitter. Criteria: GeneDx Variant Classification (06012015). Collection method: clinical testing. Allele origin: germline. Affected: yes.
Comment: The Q1068X variant in the KANK1 gene has not been reported previously as a pathogenic variant nor as a benign variant, to our knowledge. This variant is predicted to cause loss of normal protein function either through protein truncation or nonsense-mediated mRNA decay. The Q1068X variant was not observed in approximately 6,500 individuals of European and African American ancestry in the NHLBI Exome Sequencing Project, indicating it is not a common benign variant in these populations. We interpret Q1068X as a variant of uncertain significance.